The following is an entry in ClinVar:

ClinVar aggregate classification (germline): Uncertain significance (1 of 4 stars; one submission).

Conditions:
Hereditary factor XI deficiency disease. Also called: PLASMA THROMBOPLASTIN ANTECEDENT DEFICIENCY; PTA DEFICIENCY; ROSENTHAL SYNDROME; Congenital factor XI deficiency. Identifiers: Orphanet 329, MedGen C0015523, MeSH D005173, MONDO:0012897, OMIM 612416.

Submission:

ISTH-SSC Genomics in Thrombosis and Hemostasis, KU Leuven, Center for Molecular and Vascular Biology
Classification: Uncertain significance for Hereditary factor XI deficiency disease. Review status: criteria provided, single submitter. Criteria: ACMG Guidelines, 2015. Collection method: research. Allele origin: unknown. Inheritance: Autosomal recessive inheritance. Affected: yes.
Comment: Gold Variant submitter: Dr Karyn Megy, NIHR Bioresource - Cambridge University, UK

Literature cited by the submitters: PubMed 34355501.

Single allele

Gene: F11 (coagulation factor XI; plus strand). Cytogenetic location: 4q35.2.
Variant type: Duplication.
Identifiers: ClinVar variation 1333005 (VCV001333005.2).